The following is an entry in ClinVar:

NM_004830.4(MED23):c.815dup (p.Tyr272Ter)

Gene: MED23 (mediator complex subunit 23; minus strand). Cytogenetic location: 6q23.2.
Variant type: Duplication.
Coding change: c.815dup on transcript NM_004830.4 (MANE Select); coding-DNA position 815, one base duplicated (A; older notation c.815dupA).
Protein change: p.Tyr272Ter; replaces tyrosine 272 with a stop codon.
Molecular consequence: nonsense. On other transcripts: intron variant (1).
Genome position (GRCh38, 1-based): chr6:131,615,968, T duplicated on the plus strand (A on the coding strand, the reverse complement: MED23 is on the minus strand). VCF-style (leftmost placement, unchanged base first): chr6-131615967-A-AT. GRCh37 (hg19) VCF-style: chr6-131937107-A-AT.
Other names: c.815dup, p.Tyr272Ter (NM_001270521.2, NM_001270522.2, NM_001376517.1 and 6 more transcripts); c.743dup, p.Tyr248Ter (NM_001376518.1); c.780+2439dup (NM_001376523.1); short protein forms Y248*, Y272*.
Identifiers: ClinVar variation 2276892 (VCV002276892.2), dbSNP rs2482798077, ClinGen allele CA2578741656.

ClinVar aggregate classification (germline): Pathogenic (1 of 4 stars; one submission).

Conditions:
Inborn genetic diseases. Identifiers: MedGen C0950123, MeSH D030342.

Allele frequency attached by ClinVar (database versions not stated): gnomAD exomes below 0.00001.

Submission:

Ambry Genetics
Classification: Pathogenic for Inborn genetic diseases. Last evaluated: 2022-03-16. Review status: criteria provided, single submitter. Criteria: Ambry Variant Classification Scheme 2023. Collection method: clinical testing. Allele origin: germline.
Comment: The c.815dupA (p.Y272*) alteration, located in exon 10 (coding exon 10) of the MED23 gene, consists of a duplication of A at position 815. This changes the amino acid from a tyrosine (Y) to a stop codon at amino acid position 272. This alteration is expected to result in loss of function by premature protein truncation or nonsense-mediated mRNA decay. This variant was not reported in population-based cohorts in the Genome Aggregation Database (gnomAD). Based on the available evidence, this alteration is classified as pathogenic.